The following is an entry in ClinVar:

ClinVar aggregate classification (germline): Conflicting classifications of pathogenicity. Review status: criteria provided, conflicting classifications (1 of 4 stars). 5 submissions from 5 submitters: Pathogenic (1); Uncertain significance (4). Last evaluated 2025-11-27.

Conditions:
Episodic ataxia type 2 (EA2). Also called: ACETAZOLAMIDE-RESPONSIVE HEREDITARY PAROXYSMAL CEREBELLAR ATAXIA; EPISODIC ATAXIA, NYSTAGMUS-ASSOCIATED; ATAXIA, EPISODIC, WITH NYSTAGMUS; ATAXIA, FAMILIAL PAROXYSMAL; CEREBELLAR ATAXIA, PAROXYSMAL, ACETAZOLAMIDE-RESPONSIVE; CEREBELLOPATHY, HEREDITARY PAROXYSMAL. Identifiers: Orphanet 97, MedGen C1720416, MONDO:0007163, OMIM 108500.
Developmental and epileptic encephalopathy, 42 (DEE42A). Also called: DEVELOPMENTAL AND EPILEPTIC ENCEPHALOPATHY 42A; EPILEPTIC ENCEPHALOPATHY, EARLY INFANTILE, 42A; Epileptic encephalopathy, early infantile, 42. Identifiers: MedGen C4310716, MONDO:0014917, OMIM 617106.
Spinocerebellar ataxia type 6 (SCA6). Identifiers: Orphanet 98758, MedGen C0752124, MONDO:0008457, OMIM 183086.
Migraine, familial hemiplegic, 1. Also called: MIGRAINE, FAMILIAL HEMIPLEGIC 1, WITH PROGRESSIVE CEREBELLAR ATAXIA. Identifiers: Orphanet 569, MedGen C1832884, MONDO:0020756, OMIM 141500, MONDO:0007714.
Inborn genetic diseases. Identifiers: MedGen C0950123, MeSH D030342.

Allele frequency attached by ClinVar (database versions not stated): gnomAD exomes below 0.00001 and 0.00001; TOPMed below 0.00001.
gnomAD v4.1: 4 of 1,574,586 alleles (0.00025%); highest among the groups gnomAD compares: Non-Finnish European, 0.00034%; no homozygotes.

Submissions (5):

Clinical Genetics Laboratory, University Hospital Schleswig-Holstein
Classification: Uncertain significance for Developmental and epileptic encephalopathy, 42. Last evaluated: 2025-11-27. Review status: criteria provided, single submitter. Criteria: ACMG Guidelines, 2015. Collection method: clinical testing. Allele origin: paternal. Affected: yes. Observed: 1 heterozygote.
Comment: ACMG criteria applied: PM2, PS4_Supporting, PP2, PM6_Supporting

Labcorp Genetics (formerly Invitae), Labcorp
Classification: Uncertain significance for Developmental and epileptic encephalopathy, 42; Episodic ataxia type 2. Last evaluated: 2024-07-11. Review status: criteria provided, single submitter. Criteria: Invitae Variant Classification Sherloc (09022015). Collection method: clinical testing. Allele origin: germline.
Comment: This sequence change replaces asparagine, which is neutral and polar, with serine, which is neutral and polar, at codon 283 of the CACNA1A protein (p.Asn283Ser). The frequency data for this variant in the population databases is considered unreliable, as metrics indicate poor data quality at this position in the gnomAD database. This missense change has been observed in individual(s) with CACNA1A-related conditions (PMID: 34263451). In at least one individual the variant was observed to be de novo. ClinVar contains an entry for this variant (Variation ID: 1447682). Advanced modeling of protein sequence and biophysical properties (such as structural, functional, and spatial information, amino acid conservation, physicochemical variation, residue mobility, and thermodynamic stability) performed at Invitae indicates that this missense variant is not expected to disrupt CACNA1A protein function with a negative predictive value of 95%. In summary, the available evidence is currently insufficient to determine the role of this variant in disease. Therefore, it has been classified as a Variant of Uncertain Significance.

GeneDx
Classification: Pathogenic. Last evaluated: 2024-06-23. Review status: criteria provided, single submitter. Criteria: GeneDx Variant Classification Process June 2021. Collection method: clinical testing. Allele origin: germline. Affected: yes.
Comment: Not observed at significant frequency in large population cohorts (gnomAD); In silico analysis supports that this missense variant has a deleterious effect on protein structure/function; This variant is associated with the following publications: (PMID: 34263451, 38785745)

Fulgent Genetics
Classification: Uncertain significance for Episodic ataxia type 2; Migraine, familial hemiplegic, 1; Spinocerebellar ataxia type 6; Developmental and epileptic encephalopathy, 42. Last evaluated: 2021-09-27. Review status: criteria provided, single submitter. Criteria: ACMG Guidelines, 2015. Collection method: clinical testing. Allele origin: unknown.

Ambry Genetics
Classification: Uncertain significance for Inborn genetic diseases. Last evaluated: 2018-07-16. Review status: criteria provided, single submitter. Criteria: Ambry Variant Classification Scheme 2023. Collection method: clinical testing. Allele origin: germline.
Comment: The p.N283S variant (also known as c.848A>G), located in coding exon 6 of the CACNA1A gene, results from an A to G substitution at nucleotide position 848. The asparagine at codon 283 is replaced by serine, an amino acid with highly similar properties. This amino acid position is well conserved in available vertebrate species. In addition, this alteration is predicted to be tolerated by in silico analysis. Since supporting evidence is limited at this time, the clinical significance of this alteration remains unclear.

Literature cited by the submitters: PubMed 34263451 (cited by Labcorp Genetics (formerly Invitae), Labcorp).

NM_001127222.2(CACNA1A):c.848A>G (p.Asn283Ser)

Gene: CACNA1A (calcium voltage-gated channel subunit alpha1 A; minus strand). Cytogenetic location: 19p13.13.
Variant type: single nucleotide variant.
Coding change: c.848A>G on transcript NM_001127222.2 (MANE Select); coding-DNA position 848, A replaced by G.
Protein change: p.Asn283Ser; replaces asparagine 283 with serine.
Molecular consequence: missense variant.
Genome position (GRCh38, 1-based): chr19:13,359,736, T>C on the plus strand (A>G on the coding strand, the complement: CACNA1A is on the minus strand). VCF-style: chr19-13359736-T-C. GRCh37 (hg19) VCF-style: chr19-13470550-T-C.
Other names: c.848A>G, p.Asn283Ser (NM_000068.4, NM_001127221.2, NM_001174080.2 and 1 more transcripts); short protein forms N283S.
Identifiers: ClinVar variation 1447682 (VCV001447682.12), dbSNP rs1212952550, ClinGen allele CA404347296.